The following is an entry in ClinVar:

NM_000211.5(ITGB2):c.1635C>T (p.Asn545=)

Gene: ITGB2 (integrin subunit beta 2; minus strand). Cytogenetic location: 21q22.3.
Variant type: single nucleotide variant.
Coding change: c.1635C>T on transcript NM_000211.5 (MANE Select); coding-DNA position 1635, C replaced by T.
Protein change: p.Asn545=; no amino-acid change (asparagine 545 retained).
Molecular consequence: synonymous variant.
Genome position (GRCh38, 1-based): chr21:44,890,000, G>A on the plus strand (C>T on the coding strand, the complement: ITGB2 is on the minus strand). VCF-style: chr21-44890000-G-A. GRCh37 (hg19) VCF-style: chr21-46309915-G-A.
Other names: p.Asn545=; c.1635C>T, p.Asn545= (NM_001127491.3); c.1428C>T, p.Asn476= (NM_001303238.2).
Identifiers: ClinVar variation 530688 (VCV000530688.22), dbSNP rs61747606, ClinGen allele CA10062770.

ClinVar aggregate classification (germline): Benign/Likely benign. Review status: criteria provided, multiple submitters, no conflicts (2 of 4 stars). 8 submissions from 8 submitters: Benign (2); Likely benign (3). 3 of the submissions do not count toward it. Last evaluated 2026-02-01.

Conditions:
ITGB2-related disorder. Also called: ITGB2-related condition.
Leukocyte adhesion deficiency 1 (LAD1). Also called: LEUKOCYTE ADHESION DEFICIENCY, TYPE I; LAD 1; Lymphocyte function-associated antigen 1 immunodeficiency; LFA 1 immunodeficiency. Identifiers: Orphanet 2968, Orphanet 99842, MedGen C0398738, MONDO:0007293, OMIM 116920.

Allele frequency attached by ClinVar (database versions not stated): 1000 Genomes Project 30x 0.00078; 1000 Genomes Project 0.00080; TOPMed 0.00142; ESP Exome Variant Server 0.00192; gnomAD exomes 0.00211 and 0.00224; ExAC 0.00284.
gnomAD v4.1: 3,314 of 1,613,360 alleles (0.21%); highest among the groups gnomAD compares: South Asian, 0.58%; 17 homozygotes.

Submissions (8):

Labcorp Genetics (formerly Invitae), Labcorp
Classification: Benign for Leukocyte adhesion deficiency 1. Last evaluated: 2026-02-01. Review status: criteria provided, single submitter. Criteria: Invitae Variant Classification Sherloc (09022015). Collection method: clinical testing. Allele origin: germline.

Women's Health and Genetics/Laboratory Corporation of America, LabCorp
Classification: Likely benign. Last evaluated: 2026-01-23. Review status: criteria provided, single submitter. Criteria: LabCorp Variant Classification Summary - May 2015. Collection method: clinical testing. Allele origin: germline.

Blueprint Genetics
Classification: Likely benign. Last evaluated: 2024-11-20. Review status: criteria provided, single submitter. Criteria: ACMG Guidelines, 2015. Collection method: clinical testing. Allele origin: germline.

Mayo Clinic Laboratories, Mayo Clinic
Classification: Benign. Last evaluated: 2024-06-13. Review status: criteria provided, single submitter. Criteria: ACMG Guidelines, 2015. Collection method: clinical testing. Allele origin: germline. Observed: 3 variant alleles.
Comment: BS1, BS2, BP4, BP7

Illumina Laboratory Services, Illumina
Classification: Likely benign for Leukocyte adhesion deficiency 1. Last evaluated: 2017-04-27. Review status: criteria provided, single submitter. Criteria: ICSL Variant Classification Criteria 13 December 2019. Collection method: clinical testing. Allele origin: germline.
Comment: This variant was observed as part of a predisposition screen in an ostensibly healthy population. A literature search was performed for the gene, cDNA change, and amino acid change (where applicable). No publications were found based on this search. Allele frequency data from public databases allowed determination this variant is unlikely to cause disease. Therefore, this variant is classified as likely benign.

PreventionGenetics, part of Exact Sciences
Classification: Likely benign for ITGB2-related condition. Last evaluated: 2019-06-24. Review status: no assertion criteria provided. Collection method: clinical testing. Allele origin: germline. Not counted in ClinVar's aggregate classification.
Comment: This variant is classified as likely benign based on ACMG/AMP sequence variant interpretation guidelines (Richards et al. 2015 PMID: 25741868, with internal and published modifications).

Clinical Genetics DNA and cytogenetics Diagnostics Lab, Erasmus MC, Erasmus Medical Center
Classification: Likely benign. Review status: no assertion criteria provided. Collection method: clinical testing. Allele origin: germline. Affected: yes. Study: VKGL Data-share Consensus. Not counted in ClinVar's aggregate classification.

Genome Diagnostics Laboratory, University Medical Center Utrecht
Classification: Likely benign. Review status: no assertion criteria provided. Collection method: clinical testing. Allele origin: germline. Affected: yes. Study: VKGL Data-share Consensus. Not counted in ClinVar's aggregate classification.